The following is an entry in ClinVar:

ClinVar aggregate classification (germline): Pathogenic (1 of 4 stars; one submission).

Submission:

Labcorp Genetics (formerly Invitae), Labcorp
Classification: Pathogenic. Last evaluated: 2023-08-10. Review status: criteria provided, single submitter. Criteria: Invitae Variant Classification Sherloc (09022015). Collection method: clinical testing. Allele origin: germline.
Comment: This sequence change creates a premature translational stop signal (p.Gln2494*) in the CDH23 gene. It is expected to result in an absent or disrupted protein product. Loss-of-function variants in CDH23 are known to be pathogenic (PMID: 11138009, 21940737). This variant is not present in population databases (gnomAD no frequency). This variant has not been reported in the literature in individuals affected with CDH23-related conditions. Algorithms developed to predict the effect of sequence changes on RNA splicing suggest that this variant may create or strengthen a splice site. For these reasons, this variant has been classified as Pathogenic.

Literature cited by the submitters: PubMed 11138009; PubMed 21940737.

NM_022124.6(CDH23):c.7480C>T (p.Gln2494Ter)

Gene: CDH23 (cadherin related 23; plus strand). Cytogenetic location: 10q22.1.
Variant type: single nucleotide variant.
Coding change: c.7480C>T on transcript NM_022124.6 (MANE Select); coding-DNA position 7480, C replaced by T.
Protein change: p.Gln2494Ter; replaces glutamine 2494 with a stop codon.
Molecular consequence: nonsense.
Genome position (GRCh38, 1-based): chr10:71,800,753, C>T. VCF-style: chr10-71800753-C-T. GRCh37 (hg19) VCF-style: chr10-73560510-C-T.
Other names: c.760C>T, p.Gln254Ter (NM_001171933.1, NM_001171934.1); short protein forms Q2494*, Q254*.
Identifiers: ClinVar variation 2751586 (VCV002751586.3), dbSNP rs2132971817, ClinGen allele CA377160043.